The following is an entry in ClinVar:

NM_003907.3(EIF2B5):c.1684C>T (p.Gln562Ter)

Gene: EIF2B5 (eukaryotic translation initiation factor 2B subunit epsilon; plus strand). Cytogenetic location: 3q27.1.
Variant type: single nucleotide variant.
Coding change: c.1684C>T on transcript NM_003907.3 (MANE Select); coding-DNA position 1684, C replaced by T.
Protein change: p.Gln562Ter; replaces glutamine 562 with a stop codon.
Molecular consequence: nonsense.
Genome position (GRCh38, 1-based): chr3:184,143,081, C>T. VCF-style: chr3-184143081-C-T. GRCh37 (hg19) VCF-style: chr3-183860869-C-T.
Other names: short protein forms Q562*.
Identifiers: ClinVar variation 2734599 (VCV002734599.3), dbSNP rs2473670780, ClinGen allele CA355392324.
Genomic context (GRCh38, chr3:184,143,081, plus strand): 5'-GCCCATGAACTTATCCTTGCTTTGATTTCAGTGTTCCAGAATGAAGTTTTAGGAACACTA[C>T]AGCGGGGCAAAGAGGAGAACATTTCTTGTGACAATCTCGTCCTGGAAATCAACTCTCTCA-3'

ClinVar aggregate classification (germline): Pathogenic (1 of 4 stars; one submission).

Submission:

Labcorp Genetics (formerly Invitae), Labcorp
Classification: Pathogenic. Last evaluated: 2023-06-28. Review status: criteria provided, single submitter. Criteria: Invitae Variant Classification Sherloc (09022015). Collection method: clinical testing. Allele origin: germline.
Comment: For these reasons, this variant has been classified as Pathogenic. This premature translational stop signal has been observed in individual(s) with EIF2B5-related conditions (PMID: 27159321). This variant is not present in population databases (gnomAD no frequency). This sequence change creates a premature translational stop signal (p.Gln562*) in the EIF2B5 gene. It is expected to result in an absent or disrupted protein product. Loss-of-function variants in EIF2B5 are known to be pathogenic (PMID: 11704758, 15060152, 21307862).

Literature cited by the submitters: PubMed 27159321; PubMed 11704758; PubMed 15060152; PubMed 21307862.